The following is an entry in ClinVar:

ClinVar aggregate classification (germline): Uncertain significance. Review status: criteria provided, multiple submitters, no conflicts (2 of 4 stars). 3 submissions from 3 submitters: Uncertain significance (3). Last evaluated 2025-07-25.

Conditions:
Hereditary pancreatitis (PCTT). Also called: Hereditary chronic pancreatitis; PRSS1-Related Hereditary Pancreatitis. Identifiers: Orphanet 676, MedGen C0238339, MONDO:0008185, OMIM 167800.

Allele frequency attached by ClinVar (database versions not stated): gnomAD exomes below 0.00001.

Submissions (3):

Ambry Genetics
Classification: Uncertain significance for Hereditary pancreatitis. Last evaluated: 2025-07-25. Review status: criteria provided, single submitter. Criteria: Ambry Variant Classification Scheme 2023. Collection method: clinical testing. Allele origin: germline.
Comment: The p.P129L variant (also known as c.386C>T), located in coding exon 3 of the PRSS1 gene, results from a C to T substitution at nucleotide position 386. The proline at codon 129 is replaced by leucine, an amino acid with similar properties. This amino acid position is conserved. In addition, this alteration is predicted to be deleterious by in silico analysis. Since supporting evidence is limited at this time, the clinical significance of this alteration remains unclear.

Women's Health and Genetics/Laboratory Corporation of America, LabCorp
Classification: Uncertain significance. Last evaluated: 2022-11-29. Review status: criteria provided, single submitter. Criteria: LabCorp Variant Classification Summary - May 2015. Collection method: clinical testing. Allele origin: germline.
Comment: Variant summary: PRSS1 c.386C>T (p.Pro129Leu) results in a non-conservative amino acid change located in the Serine proteases, trypsin domain (IPR001254) of the encoded protein sequence. Four of four in-silico tools predict a damaging effect of the variant on protein function. The variant was absent in 250650 control chromosomes (gnomAD). The available data on variant occurrences in the general population are insufficient to allow any conclusion about variant significance. To our knowledge, no occurrence of c.386C>T in individuals affected with Chronic Pancreatitis Risk and no experimental evidence demonstrating its impact on protein function have been reported. One clinical diagnostic laboratory has submitted clinical-significance assessments for this variant to ClinVar after 2014 and classified the variant as uncertain significance. Based on the evidence outlined above, the variant was classified as uncertain significance.

Labcorp Genetics (formerly Invitae), Labcorp
Classification: Uncertain significance for Hereditary pancreatitis. Last evaluated: 2020-01-31. Review status: criteria provided, single submitter. Criteria: Invitae Variant Classification Sherloc (09022015). Collection method: clinical testing. Allele origin: germline.
Comment: This sequence change replaces proline with leucine at codon 129 of the PRSS1 protein (p.Pro129Leu). The proline residue is highly conserved and there is a moderate physicochemical difference between proline and leucine. This variant is not present in population databases (ExAC no frequency). This variant has not been reported in the literature in individuals with PRSS1-related conditions. Algorithms developed to predict the effect of missense changes on protein structure and function (SIFT, PolyPhen-2, Align-GVGD) all suggest that this variant is likely to be disruptive, but these predictions have not been confirmed by published functional studies and their clinical significance is uncertain. In summary, the available evidence is currently insufficient to determine the role of this variant in disease. Therefore, it has been classified as a Variant of Uncertain Significance.

NM_002769.5(PRSS1):c.386C>T (p.Pro129Leu)

Genes: PRSS1 (serine protease 1; plus strand), TRB (T cell receptor beta locus; plus strand). Cytogenetic location: 7q34.
Variant type: single nucleotide variant.
Coding change: c.386C>T on transcript NM_002769.5 (MANE Select); coding-DNA position 386, C replaced by T.
Protein change: p.Pro129Leu; replaces proline 129 with leucine.
Molecular consequence: missense variant.
Genome position (GRCh38, 1-based): chr7:142,751,959, C>T. VCF-style: chr7-142751959-C-T. GRCh37 (hg19) VCF-style: chr7-142459810-C-T.
Other names: short protein forms P129L.
Identifiers: ClinVar variation 1059580 (VCV001059580.13), dbSNP rs768673799, ClinGen allele CA369609024.